The following is an entry in ClinVar:

NM_144687.4(NLRP12):c.2722C>T (p.Leu908Phe)

Gene: NLRP12 (NLR family pyrin domain containing 12; minus strand). Cytogenetic location: 19q13.42.
Variant type: single nucleotide variant.
Coding change: c.2722C>T on transcript NM_144687.4 (MANE Select); coding-DNA position 2722, C replaced by T.
Protein change: p.Leu908Phe; replaces leucine 908 with phenylalanine.
Molecular consequence: missense variant.
Genome position (GRCh38, 1-based): chr19:53,801,261, G>A on the plus strand (C>T on the coding strand, the complement: NLRP12 is on the minus strand). VCF-style: chr19-53801261-G-A. GRCh37 (hg19) VCF-style: chr19-54304515-G-A.
Other names: c.2725C>T, p.Leu909Phe (NM_001277126.2); c.2722C>T, p.Leu908Phe (NM_001277129.1); short protein forms L909F, L908F.
Identifiers: ClinVar variation 2007856 (VCV002007856.4), dbSNP rs2091865173, ClinGen allele CA407408219.

ClinVar aggregate classification (germline): Uncertain significance (1 of 4 stars; one submission).

Conditions:
Familial cold autoinflammatory syndrome 2 (FCAS2). Identifiers: Orphanet 247868, MedGen C2673198, MONDO:0012724, OMIM 611762.

gnomAD v4.1: 2 of 1,613,844 alleles (0.00012%); highest among the groups gnomAD compares: South Asian, 0.0011%; no homozygotes.

Submission:

Labcorp Genetics (formerly Invitae), Labcorp
Classification: Uncertain significance for Familial cold autoinflammatory syndrome 2. Last evaluated: 2022-06-18. Review status: criteria provided, single submitter. Criteria: Invitae Variant Classification Sherloc (09022015). Collection method: clinical testing. Allele origin: germline.
Comment: In summary, the available evidence is currently insufficient to determine the role of this variant in disease. Therefore, it has been classified as a Variant of Uncertain Significance. Algorithms developed to predict the effect of missense changes on protein structure and function are either unavailable or do not agree on the potential impact of this missense change (SIFT: "Deleterious"; PolyPhen-2: "Probably Damaging"; Align-GVGD: "Class C0"). This variant has not been reported in the literature in individuals affected with NLRP12-related conditions. This variant is not present in population databases (gnomAD no frequency). This sequence change replaces leucine, which is neutral and non-polar, with phenylalanine, which is neutral and non-polar, at codon 908 of the NLRP12 protein (p.Leu908Phe).